The following is an entry in ClinVar:

ClinVar aggregate classification (germline): Uncertain significance (1 of 4 stars; one submission).

Conditions:
Familial thoracic aortic aneurysm and aortic dissection (TAAD). Also called: Thoracic aortic aneurysms and dissections. Identifiers: Orphanet 91387, MedGen C4707243, MONDO:0019625.

gnomAD v4.1: 7 of 1,594,174 alleles (0.00044%); highest among the groups gnomAD compares: Non-Finnish European, 0.0006%; no homozygotes.

Submission:

Ambry Genetics
Classification: Uncertain significance for Familial thoracic aortic aneurysm and aortic dissection. Last evaluated: 2025-06-17. Review status: criteria provided, single submitter. Criteria: Ambry Variant Classification Scheme 2023. Collection method: clinical testing. Allele origin: germline.
Comment: The p.K598Q variant (also known as c.1792A>C), located in coding exon 6 of the SKI gene, results from an A to C substitution at nucleotide position 1792. The lysine at codon 598 is replaced by glutamine, an amino acid with similar properties. This amino acid position is conserved. In addition, the in silico prediction for this alteration is inconclusive. Based on the available evidence, the clinical significance of this variant remains unclear.

NM_003036.4(SKI):c.1792A>C (p.Lys598Gln)

Gene: SKI (SKI proto-oncogene; plus strand). Cytogenetic location: 1p36.32.
Variant type: single nucleotide variant.
Coding change: c.1792A>C on transcript NM_003036.4 (MANE Select); coding-DNA position 1792, A replaced by C.
Protein change: p.Lys598Gln; replaces lysine 598 with glutamine.
Molecular consequence: missense variant.
Genome position (GRCh38, 1-based): chr1:2,306,044, A>C. VCF-style: chr1-2306044-A-C. GRCh37 (hg19) VCF-style: chr1-2237483-A-C.
Other names: short protein forms K598Q.
Identifiers: ClinVar variation 4165709 (VCV004165709.1).